The following is an entry in ClinVar:

NM_000432.4(MYL2):c.496G>T (p.Asp166Tyr)

Gene: MYL2 (myosin light chain 2; minus strand). Cytogenetic location: 12q24.11.
Variant type: single nucleotide variant.
Coding change: c.496G>T on transcript NM_000432.4 (MANE Select); coding-DNA position 496, G replaced by T.
Protein change: p.Asp166Tyr; replaces aspartic acid 166 with tyrosine.
Molecular consequence: missense variant.
Genome position (GRCh38, 1-based): chr12:110,911,082, C>A on the plus strand (G>T on the coding strand, the complement: MYL2 is on the minus strand). VCF-style: chr12-110911082-C-A. GRCh37 (hg19) VCF-style: chr12-111348886-C-A.
Other names: p.D166Y:GAC>TAC; short protein forms D166Y.
Identifiers: ClinVar variation 181436 (VCV000181436.2), dbSNP rs730880952, ClinGen allele CA010463.
Genomic context (GRCh38, chr12:110,911,082, plus strand): 5'-GAGGGCAGGGACCACTCTGCAAAGACGAGCCCAGGGCGCAGCAGCGAGCCCCCTCCTAGT[C>A]CTTCTCTTCTCCGTGGGTGATGATGTGCACCAGGTTCTTGTAGTCCAAGTTGCCAGTCAC-3'
Protein context (NP_000423.2, residues 156-166): VHIITHGEEK[Asp166Tyr]

ClinVar aggregate classification (germline): Likely pathogenic (1 of 4 stars; one submission).

Submission:

GeneDx
Classification: Likely pathogenic. Last evaluated: 2015-07-29. Review status: criteria provided, single submitter. Criteria: GeneDx Variant Classification (06012015). Collection method: clinical testing. Allele origin: germline. Affected: yes.
Comment: p.Asp166Tyr (GAC>TAC): c.496 G>T in exon 7 of the MYL2 gene (NM_000432.3); While the D166Y mutation in the MYL2 gene has not been reported to our knowledge, a mutation affecting this same residue, (D166V) has been reported in one individual with HCM, was absent in 200 control chromosomes and co-segregated with disease (Richard et al., 2003). Additionally, functional studies have shown that D166V alters myosin cross-bridge kinetics, increases calcium sensitivity, decreases maximal contractile force development and slows rates of force relaxation in myocardium (Kerrick et al., 2009; Wang et al., 2013). Furthermore, a mutation in a nearby residue (G162R) has been reported in association with HCM, further supporting the functional importance of this residue and this region of the protein. D166Y results in a non-conservative amino acid substitution at a position that is conserved among vertebrates. In silico analysis predicts D166Y is damaging to the protein structure/function. D166Y was also not observed in approximately 6,500 individuals of European and African American ancestry in the NHLBI Exome Sequencing Project, indicating it is not a common benign variant in these populations. In summary, D166Y in the MYL2 gene is interpreted as a likely disease-causing mutation. The variant is found in HCM panel(s).